The following is an entry in ClinVar:

ClinVar aggregate classification (germline): Uncertain significance (1 of 4 stars; one submission).

Allele frequency attached by ClinVar (database versions not stated): TOPMed below 0.00001.
gnomAD v4.1: 1 of 1,613,904 alleles (0.000062%); highest among the groups gnomAD compares: Non-Finnish European, 0.000085%; no homozygotes.

Submission:

Labcorp Genetics (formerly Invitae), Labcorp
Classification: Uncertain significance. Last evaluated: 2024-11-11. Review status: criteria provided, single submitter. Criteria: Invitae Variant Classification Sherloc (09022015). Collection method: clinical testing. Allele origin: germline.
Comment: This sequence change replaces serine, which is neutral and polar, with proline, which is neutral and non-polar, at codon 296 of the KIZ protein (p.Ser296Pro). This variant is not present in population databases (gnomAD no frequency). This variant has not been reported in the literature in individuals affected with KIZ-related conditions. ClinVar contains an entry for this variant (Variation ID: 1390713). Experimental studies and prediction algorithms are not available or were not evaluated, and the functional significance of this variant is currently unknown. In summary, the available evidence is currently insufficient to determine the role of this variant in disease. Therefore, it has been classified as a Variant of Uncertain Significance.

NM_018474.6(KIZ):c.886T>C (p.Ser296Pro)

Gene: KIZ (kizuna centrosomal protein; plus strand). Cytogenetic location: 20p11.23.
Variant type: single nucleotide variant.
Coding change: c.886T>C on transcript NM_018474.6 (MANE Select); coding-DNA position 886, T replaced by C.
Protein change: p.Ser296Pro; replaces serine 296 with proline.
Molecular consequence: missense variant.
Genome position (GRCh38, 1-based): chr20:21,162,351, T>C. VCF-style: chr20-21162351-T-C. GRCh37 (hg19) VCF-style: chr20-21142992-T-C.
Other names: c.577T>C, p.Ser193Pro (NM_001163022.3, NM_001352435.2); c.487T>C, p.Ser163Pro (NM_001163023.3); c.739T>C, p.Ser247Pro (NM_001276389.2); c.886T>C, p.Ser296Pro (NM_001352434.2); c.544T>C, p.Ser182Pro (NM_001352436.2); short protein forms S193P, S247P, S163P, S182P, S296P.
Identifiers: ClinVar variation 1390713 (VCV001390713.6), dbSNP rs1401654191, ClinGen allele CA408492950.